The following is an entry in ClinVar:

NM_001130004.2(ACTN1):c.770C>T (p.Thr257Ile)

Gene: ACTN1 (actinin alpha 1; minus strand). Cytogenetic location: 14q24.1.
Variant type: single nucleotide variant.
Coding change: c.770C>T on transcript NM_001130004.2 (MANE Select); coding-DNA position 770, C replaced by T.
Protein change: p.Thr257Ile; replaces threonine 257 with isoleucine.
Molecular consequence: missense variant. On other transcripts: 5 prime UTR variant (1).
Genome position (GRCh38, 1-based): chr14:68,893,740, G>A on the plus strand (C>T on the coding strand, the complement: ACTN1 is on the minus strand). VCF-style: chr14-68893740-G-A. GRCh37 (hg19) VCF-style: chr14-69360457-G-A.
Other names: c.770C>T, p.Thr257Ile (NM_001102.4, NM_001130005.2, NM_001411035.1 and 9 more transcripts); c.575C>T, p.Thr192Ile (NM_001411036.1, NM_001424026.1, NM_001424028.1); c.896C>T, p.Thr299Ile (NM_001424013.1); c.857C>T, p.Thr286Ile (NM_001424015.1); c.767C>T, p.Thr256Ile (NM_001424017.1); c.707C>T, p.Thr236Ile (NM_001424018.1, NM_001424020.1, NM_001424022.1); c.701C>T, p.Thr234Ile (NM_001424021.1); c.-56C>T (NM_001424030.1); short protein forms T256I, T299I, T192I, T257I, T286I, T236I, T234I.
Identifiers: ClinVar variation 2795722 (VCV002795722.3), dbSNP rs1594773549, ClinGen allele CA390189360.

ClinVar aggregate classification (germline): Uncertain significance (1 of 4 stars; one submission).

Submission:

Labcorp Genetics (formerly Invitae), Labcorp
Classification: Uncertain significance. Last evaluated: 2023-05-05. Review status: criteria provided, single submitter. Criteria: Invitae Variant Classification Sherloc (09022015). Collection method: clinical testing. Allele origin: germline.
Comment: In summary, the available evidence is currently insufficient to determine the role of this variant in disease. Therefore, it has been classified as a Variant of Uncertain Significance. Advanced modeling of protein sequence and biophysical properties (such as structural, functional, and spatial information, amino acid conservation, physicochemical variation, residue mobility, and thermodynamic stability) performed at Invitae indicates that this missense variant is not expected to disrupt ACTN1 protein function. This variant has not been reported in the literature in individuals affected with ACTN1-related conditions. This variant is not present in population databases (gnomAD no frequency). This sequence change replaces threonine, which is neutral and polar, with isoleucine, which is neutral and non-polar, at codon 257 of the ACTN1 protein (p.Thr257Ile).